The following is an entry in ClinVar:

ClinVar aggregate classification (germline): Uncertain significance (1 of 4 stars; one submission).

Conditions:
Severe combined immunodeficiency due to DCLRE1C deficiency (RS-SCID). Also called: SCID, AUTOSOMAL RECESSIVE, T CELL-NEGATIVE, B CELL-NEGATIVE, NK CELL-POSITIVE, WITH SENSITIVITY TO IONIZING RADIATION. Identifiers: Orphanet 275, MedGen C1865371, MONDO:0011225, OMIM 602450.

Allele frequency attached by ClinVar (database versions not stated): gnomAD exomes 0.00001; ExAC 0.00002; TOPMed 0.00002; gnomAD 0.00003.
gnomAD v4.1: 20 of 1,613,834 alleles (0.0012%); highest among the groups gnomAD compares: African/African-American, 0.0093%; no homozygotes.

Submission:

Labcorp Genetics (formerly Invitae), Labcorp
Classification: Uncertain significance for Athabaskan severe combined immunodeficiency. Last evaluated: 2022-06-27. Review status: criteria provided, single submitter. Criteria: Invitae Variant Classification Sherloc (09022015). Collection method: clinical testing. Allele origin: germline.
Comment: This sequence change falls in intron 9 of the DCLRE1C gene. It does not directly change the encoded amino acid sequence of the DCLRE1C protein. It affects a nucleotide within the consensus splice site. This variant is present in population databases (rs769782951, gnomAD 0.008%). This variant has not been reported in the literature in individuals affected with DCLRE1C-related conditions. Variants that disrupt the consensus splice site are a relatively common cause of aberrant splicing (PMID: 17576681, 9536098). Algorithms developed to predict the effect of sequence changes on RNA splicing suggest that this variant is not likely to affect RNA splicing. In summary, the available evidence is currently insufficient to determine the role of this variant in disease. Therefore, it has been classified as a Variant of Uncertain Significance.

Literature cited by the submitters: PubMed 17576681; PubMed 9536098.

NM_001033855.3(DCLRE1C):c.780+4C>T

Gene: DCLRE1C (DNA cross-link repair 1C; minus strand). Cytogenetic location: 10p13.
Variant type: single nucleotide variant.
Coding change: c.780+4C>T on transcript NM_001033855.3 (MANE Select); 4 bases into the intron after coding-DNA position 780, C replaced by T.
Molecular consequence: intron variant.
Genome position (GRCh38, 1-based): chr10:14,932,850, G>A on the plus strand (C>T on the coding strand, the complement: DCLRE1C is on the minus strand). VCF-style: chr10-14932850-G-A. GRCh37 (hg19) VCF-style: chr10-14974849-G-A.
Other names: c.435+4C>T (NM_001350966.2, NM_001289078.2, NM_001289076.2 and 1 more transcripts); c.780+4C>T (NM_001350965.2); c.420+4C>T (NM_001350967.2, NM_001289077.2, NM_001289079.2 and 2 more transcripts).
Identifiers: ClinVar variation 1509748 (VCV001509748.5), dbSNP rs769782951, ClinGen allele CA5416693.
Genomic context (GRCh38, chr10:14,932,850, plus strand): 5'-CCTGACCTTTCTTCTTTTTCATAGATTACACAAACAATACGAGAGGAATCACTTGCACAC[G>A]TACCTTGGGATGCCGGCATGCATGGATCTGAGTGTTGCGGTCTGTTGTGAGATGATGAAG-3'